The following is an entry in ClinVar:

NM_005993.5(TBCD):c.2095G>A (p.Val699Ile)

Genes: TBCD (tubulin folding cofactor D), LOC126862673 (CDK7 strongly-dependent group 2 enhancer GRCh37_chr17:80877734-80878933; plus strand). Cytogenetic location: 17q25.3.
Variant type: single nucleotide variant.
Coding change: c.2095G>A on transcript NM_005993.5 (MANE Select); coding-DNA position 2095, G replaced by A.
Protein change: p.Val699Ile; replaces valine 699 with isoleucine.
Molecular consequence: missense variant.
Genome position (GRCh38, 1-based): chr17:82,920,612, G>A. VCF-style: chr17-82920612-G-A. GRCh37 (hg19) VCF-style: chr17-80878488-G-A.
Other names: c.2044G>A, p.Val682Ile (NM_001411101.1); c.2014G>A, p.Val672Ile (NM_001411102.1); short protein forms V672I, V682I, V699I.
Identifiers: ClinVar variation 2066101 (VCV002066101.2), dbSNP rs368050308, ClinGen allele CA8862934.
Genomic context (GRCh38, chr17:82,920,612, plus strand): 5'-CCAGTGTGTGTTTTAATAGAAAAGTTGTCACTTTCCAAAATGCCCTTTAGAGGTGACACC[G>A]TAATTGGTAAGTGCTTTTGTTTTTAATAATAGCATTTTCTTACAGAATGACTTCAGATTA-3'
Protein context (NP_005984.3, residues 689-709): LSKMPFRGDT[Val699Ile]IDGWQWLIND

ClinVar aggregate classification (germline): Uncertain significance. Review status: criteria provided, multiple submitters, no conflicts (2 of 4 stars). 2 submissions from 2 submitters: Uncertain significance (2). Last evaluated 2022-04-14.

Conditions:
Inborn genetic diseases. Identifiers: MedGen C0950123, MeSH D030342.

Allele frequency attached by ClinVar (database versions not stated): gnomAD 0.00007; TOPMed 0.00009; ESP Exome Variant Server 0.00017; ExAC 0.00027; gnomAD exomes 0.00034.
gnomAD v4.1: 469 of 1,550,122 alleles (0.03%); highest among the groups gnomAD compares: Non-Finnish European, 0.04%; no homozygotes.

Submissions (2):

Labcorp Genetics (formerly Invitae), Labcorp
Classification: Uncertain significance. Last evaluated: 2022-04-14. Review status: criteria provided, single submitter. Criteria: Invitae Variant Classification Sherloc (09022015). Collection method: clinical testing. Allele origin: germline.
Comment: This sequence change replaces valine, which is neutral and non-polar, with isoleucine, which is neutral and non-polar, at codon 699 of the TBCD protein (p.Val699Ile). The frequency data for this variant in the population databases is considered unreliable, as metrics indicate poor data quality at this position in the gnomAD database. This variant has not been reported in the literature in individuals affected with TBCD-related conditions. Algorithms developed to predict the effect of missense changes on protein structure and function output the following: SIFT: "Tolerated"; PolyPhen-2: "Benign"; Align-GVGD: "Class C0". The isoleucine amino acid residue is found in multiple mammalian species, which suggests that this missense change does not adversely affect protein function. In summary, the available evidence is currently insufficient to determine the role of this variant in disease. Therefore, it has been classified as a Variant of Uncertain Significance.

Ambry Genetics
Classification: Uncertain significance for Inborn genetic diseases. Last evaluated: 2021-01-15. Review status: criteria provided, single submitter. Criteria: Ambry Variant Classification Scheme 2023. Collection method: clinical testing. Allele origin: germline.